The following is an entry in ClinVar:

ClinVar aggregate classification (germline): Uncertain significance (1 of 4 stars; one submission).

Conditions:
Hypertrophic cardiomyopathy 14. Identifiers: MedGen C2750467, MONDO:0013197, OMIM 613251.

gnomAD v4.1: 1 of 1,614,010 alleles (0.000062%); highest among the groups gnomAD compares: Non-Finnish European, 0.000085%; no homozygotes.

Submission:

Labcorp Genetics (formerly Invitae), Labcorp
Classification: Uncertain significance for Hypertrophic cardiomyopathy 14. Last evaluated: 2025-06-22. Review status: criteria provided, single submitter. Criteria: Invitae Variant Classification Sherloc (09022015). Collection method: clinical testing. Allele origin: germline.
Comment: This sequence change creates a premature translational stop signal (p.Tyr433*) in the MYH6 gene. It is expected to result in an absent or disrupted protein product. However, the current clinical and genetic evidence is not sufficient to establish whether loss-of-function variants in MYH6 cause disease. This variant is present in population databases (no rsID available, gnomAD 0.007%). This premature translational stop signal has been observed in individual(s) with early-onset atrial fibrillation (PMID: 34495297). In summary, the available evidence is currently insufficient to determine the role of this variant in disease. Therefore, it has been classified as a Variant of Uncertain Significance.

Literature cited by the submitters: PubMed 34495297.

NM_002471.4(MYH6):c.1299T>A (p.Tyr433Ter)

Gene: MYH6 (myosin heavy chain 6; minus strand). Cytogenetic location: 14q11.2.
Variant type: single nucleotide variant.
Coding change: c.1299T>A on transcript NM_002471.4 (MANE Select); coding-DNA position 1299, T replaced by A.
Protein change: p.Tyr433Ter; replaces tyrosine 433 with a stop codon.
Molecular consequence: nonsense.
Genome position (GRCh38, 1-based): chr14:23,400,820, A>T on the plus strand (T>A on the coding strand, the complement: MYH6 is on the minus strand). VCF-style: chr14-23400820-A-T. GRCh37 (hg19) VCF-style: chr14-23870029-A-T.
Other names: short protein forms Y433*.
Identifiers: ClinVar variation 4778451 (VCV004778451.1).
Genomic context (GRCh38, chr14:23,400,820, plus strand): 5'-TGGCTGCTTGGTCTCCAGGGTGGCGTTGATGCGCGTCACCATCCAGTTGAACATCTTCTC[A>T]TACACTGCCTTGGCCAGAGCCCCGATGGAGTAGTACACCTGCTGCACGCTCTGCCCCTTG-3'